The following is an entry in ClinVar:

ClinVar aggregate classification (germline): Pathogenic (1 of 4 stars; one submission).

Conditions:
Ehlers-Danlos syndrome, type 4 (EDSVASC). Also called: Ehlers-Danlos syndrome vascular type; Ehlers Danlos syndrome, ecchymotic type; Ehlers Danlos syndrome, arterial type; Ehlers Danlos syndrome, Sack-Barabas type; Ehlers-Danlos Syndrome Type IV. Identifiers: Orphanet 286, MedGen C0268338, MONDO:0017314, OMIM 130050.

Submission:

Labcorp Genetics (formerly Invitae), Labcorp
Classification: Pathogenic for Ehlers-Danlos syndrome, type 4. Last evaluated: 2018-09-24. Review status: criteria provided, single submitter. Criteria: Invitae Variant Classification Sherloc (09022015). Collection method: clinical testing. Allele origin: germline.
Comment: For these reasons, this variant has been classified as Pathogenic. Glycine residues within the Gly-Xaa-Yaa repeats of the triple helix domain are required for the structure and stability of fibrillar collagens (PMID: 7695699, 8218237, 19344236). In COL3A1, missense variants at these glycine residues are significantly enriched in individuals with disease (PMID: 24922459, 25758994) compared to the general population (ExAC). Algorithms developed to predict the effect of missense changes on protein structure and function are either unavailable or do not agree on the potential impact of this missense change (SIFT: "Deleterious"; PolyPhen-2: "Not Available"; Align-GVGD: "Class C0"). This variant is not present in population databases (ExAC no frequency). This sequence change replaces glycine with valine at codon 282 of the COL3A1 protein (p.Gly282Val). The glycine residue is highly conserved and there is a moderate physicochemical difference between glycine and valine.

Literature cited by the submitters: PubMed 7695699; PubMed 8218237; PubMed 19344236; PubMed 24922459; PubMed 25758994.

NM_000090.4(COL3A1):c.845G>T (p.Gly282Val)

Gene: COL3A1 (collagen type III alpha 1 chain; plus strand). Cytogenetic location: 2q32.2.
Variant type: single nucleotide variant.
Coding change: c.845G>T on transcript NM_000090.4 (MANE Select); coding-DNA position 845, G replaced by T.
Protein change: p.Gly282Val; replaces glycine 282 with valine.
Molecular consequence: missense variant.
Genome position (GRCh38, 1-based): chr2:188,991,050, G>T. VCF-style: chr2-188991050-G-T. GRCh37 (hg19) VCF-style: chr2-189855776-G-T.
Other names: short protein forms G282V.
Identifiers: ClinVar variation 664376 (VCV000664376.9), dbSNP rs1576463663, ClinGen allele CA349849835.